The following is an entry in ClinVar:

NM_182925.5(FLT4):c.3538G>C (p.Glu1180Gln)

Gene: FLT4 (fms related receptor tyrosine kinase 4; minus strand). Cytogenetic location: 5q35.3.
Variant type: single nucleotide variant.
Coding change: c.3538G>C on transcript NM_182925.5 (MANE Select); coding-DNA position 3538, G replaced by C.
Protein change: p.Glu1180Gln; replaces glutamic acid 1180 with glutamine.
Molecular consequence: missense variant.
Genome position (GRCh38, 1-based): chr5:180,611,479, C>G on the plus strand (G>C on the coding strand, the complement: FLT4 is on the minus strand). VCF-style: chr5-180611479-C-G. GRCh37 (hg19) VCF-style: chr5-180038479-C-G.
Other names: c.3538G>C, p.Glu1180Gln (NM_001354989.2, NM_002020.5); short protein forms E1180Q.
Identifiers: ClinVar variation 3367357 (VCV003367357.1).
Genomic context (GRCh38, chr5:180,611,479, plus strand): 5'-AGAAGCTGCCCTCTTCTGAGCTCTGAGAGCTGCGCGGGGCCATGCAGACCTCCTCTTCCT[C>G]CTGGCGGGAACAGGAGAGGCAGCCAGGCCAGAAACCACCAGCCACTGCCCTCAGCCCTCG-3'
Protein context (NP_891555.2, residues 1170-1190): GDLLQGRGLQ[Glu1180Gln]EEEVCMAPRS

ClinVar aggregate classification (germline): Uncertain significance (1 of 4 stars; one submission).

Submission:

GeneDx
Classification: Uncertain significance. Last evaluated: 2024-04-13. Review status: criteria provided, single submitter. Criteria: GeneDx Variant Classification Process June 2021. Collection method: clinical testing. Allele origin: germline. Affected: yes.
Comment: Not observed at significant frequency in large population cohorts (gnomAD); In silico analyses indicate that this missense variant does not alter protein structure/function but may have a deleterious effect on splicing; Has not been previously published as pathogenic or benign to our knowledge